The following is an entry in ClinVar:

ClinVar aggregate classification (germline): Uncertain significance. Review status: criteria provided, multiple submitters, no conflicts (2 of 4 stars). 3 submissions from 3 submitters: Uncertain significance (2). 1 of the submissions does not count toward it. Last evaluated 2022-05-17.

Conditions:
Microcephaly and chorioretinopathy 1. Also called: Microcephaly and chorioretinopathy, autosomal recessive, 1. Identifiers: MedGen C3278481, MONDO:0009624, OMIM 251270.

Allele frequency attached by ClinVar (database versions not stated): gnomAD 0.00001; TOPMed 0.00002; ExAC 0.00004; ESP Exome Variant Server 0.00008.
gnomAD v4.1: 23 of 1,511,232 alleles (0.0015%); highest among the groups gnomAD compares: South Asian, 0.004%; no homozygotes.

Submissions (3):

Labcorp Genetics (formerly Invitae), Labcorp
Classification: Uncertain significance. Last evaluated: 2022-05-17. Review status: criteria provided, single submitter. Criteria: Invitae Variant Classification Sherloc (09022015). Collection method: clinical testing. Allele origin: germline.
Comment: This sequence change replaces serine, which is neutral and polar, with leucine, which is neutral and non-polar, at codon 852 of the TUBGCP6 protein (p.Ser852Leu). This variant is present in population databases (rs370132155, gnomAD 0.007%). This variant has not been reported in the literature in individuals affected with TUBGCP6-related conditions. ClinVar contains an entry for this variant (Variation ID: 939496). Algorithms developed to predict the effect of missense changes on protein structure and function output the following: SIFT: "Tolerated"; PolyPhen-2: "Benign"; Align-GVGD: "Class C0". The leucine amino acid residue is found in multiple mammalian species, which suggests that this missense change does not adversely affect protein function. In summary, the available evidence is currently insufficient to determine the role of this variant in disease. Therefore, it has been classified as a Variant of Uncertain Significance.

Blueprint Genetics
Classification: Uncertain significance. Last evaluated: 2022-04-25. Review status: criteria provided, single submitter. Criteria: ACMG Guidelines, 2015. Collection method: clinical testing. Allele origin: germline.

Service de Génétique Moléculaire, Hôpital Robert Debré
Classification: Likely pathogenic for Microcephaly and chorioretinopathy 1. Review status: no assertion criteria provided. Collection method: clinical testing. Allele origin: unknown. Affected: yes. Not counted in ClinVar's aggregate classification.

NM_020461.4(TUBGCP6):c.2555C>T (p.Ser852Leu)

Gene: TUBGCP6 (tubulin gamma complex component 6; minus strand). Cytogenetic location: 22q13.33.
Variant type: single nucleotide variant.
Coding change: c.2555C>T on transcript NM_020461.4 (MANE Select); coding-DNA position 2555, C replaced by T.
Protein change: p.Ser852Leu; replaces serine 852 with leucine.
Molecular consequence: missense variant.
Genome position (GRCh38, 1-based): chr22:50,221,804, G>A on the plus strand (C>T on the coding strand, the complement: TUBGCP6 is on the minus strand). VCF-style: chr22-50221804-G-A. GRCh37 (hg19) VCF-style: chr22-50660233-G-A.
Other names: short protein forms S852L.
Identifiers: ClinVar variation 939496 (VCV000939496.9), dbSNP rs370132155, ClinGen allele CA10308165.